The following is an entry in ClinVar:

NM_020631.6(PLEKHG5):c.2172C>T (p.Gly724=)

Gene: PLEKHG5 (pleckstrin homology and RhoGEF domain containing G5; minus strand). Cytogenetic location: 1p36.31.
Variant type: single nucleotide variant.
Coding change: c.2172C>T on transcript NM_020631.6 (MANE Select); coding-DNA position 2172, C replaced by T.
Protein change: p.Gly724=; no amino-acid change (glycine 724 retained).
Molecular consequence: synonymous variant.
Genome position (GRCh38, 1-based): chr1:6,469,119, G>A on the plus strand (C>T on the coding strand, the complement: PLEKHG5 is on the minus strand). VCF-style: chr1-6469119-G-A. GRCh37 (hg19) VCF-style: chr1-6529179-G-A.
Other names: c.2172C>T (NM_020631.4); c.2283C>T, p.Gly761= (NM_001042663.3, NM_001265592.2); c.2172C>T, p.Gly724= (NM_001042664.2, NM_001042665.2, NM_001265594.3 and 1 more transcripts); c.2379C>T, p.Gly793= (NM_001265593.2).
Identifiers: ClinVar variation 1423470 (VCV001423470.6), dbSNP rs759430357, ClinGen allele CA561225.

ClinVar aggregate classification (germline): Uncertain significance. Review status: criteria provided, multiple submitters, no conflicts (2 of 4 stars). 2 submissions from 2 submitters: Uncertain significance (2). Last evaluated 2025-02-24.

Conditions:
Charcot-Marie-Tooth disease recessive intermediate C. Also called: CHARCOT-MARIE-TOOTH NEUROPATHY, RECESSIVE INTERMEDIATE C. Identifiers: Orphanet 369867, MedGen C3809309, MONDO:0014154, OMIM 615376.
Neuronopathy, distal hereditary motor, autosomal recessive 4. Also called: Autosomal recessive lower motor neuron disease with childhood onset; NEUROPATHY, DISTAL HEREDITARY MOTOR, AUTOSOMAL RECESSIVE 4. Identifiers: Orphanet 206580, MedGen C1970211, MONDO:0012608, OMIM 611067.

Allele frequency attached by ClinVar (database versions not stated): gnomAD exomes 0.00001; ExAC 0.00002; gnomAD 0.00005; TOPMed 0.00005.
gnomAD v4.1: 22 of 1,609,772 alleles (0.0014%); highest among the groups gnomAD compares: African/African-American, 0.011%; no homozygotes.

Submissions (2):

GeneDx
Classification: Uncertain significance. Last evaluated: 2025-02-24. Review status: criteria provided, single submitter. Criteria: GeneDx Variant Classification Process June 2021. Collection method: clinical testing. Allele origin: germline. Affected: yes.
Comment: Not observed at significant frequency in large population cohorts (gnomAD); In silico analysis supports a deleterious effect on splicing; Has not been previously published as pathogenic or benign to our knowledge

Labcorp Genetics (formerly Invitae), Labcorp
Classification: Uncertain significance for Neuronopathy, distal hereditary motor, autosomal recessive 4; Charcot-Marie-Tooth disease recessive intermediate C. Last evaluated: 2022-04-25. Review status: criteria provided, single submitter. Criteria: Invitae Variant Classification Sherloc (09022015). Collection method: clinical testing. Allele origin: germline.
Comment: This sequence change affects codon 724 of the PLEKHG5 mRNA. It is a 'silent' change, meaning that it does not change the encoded amino acid sequence of the PLEKHG5 protein. The frequency data for this variant in the population databases is considered unreliable, as metrics indicate poor data quality at this position in the gnomAD database. This variant has not been reported in the literature in individuals affected with PLEKHG5-related conditions. Algorithms developed to predict the effect of sequence changes on RNA splicing suggest that this variant may create or strengthen a splice site. In summary, the available evidence is currently insufficient to determine the role of this variant in disease. Therefore, it has been classified as a Variant of Uncertain Significance.